The following is an entry in ClinVar:

NM_032229.3(SLITRK6):c.1576G>A (p.Val526Ile)

Gene: SLITRK6 (SLIT and NTRK like family member 6; minus strand). Cytogenetic location: 13q31.1.
Variant type: single nucleotide variant.
Coding change: c.1576G>A on transcript NM_032229.3 (MANE Select); coding-DNA position 1576, G replaced by A.
Protein change: p.Val526Ile; replaces valine 526 with isoleucine.
Molecular consequence: missense variant.
Genome position (GRCh38, 1-based): chr13:85,794,933, C>T on the plus strand (G>A on the coding strand, the complement: SLITRK6 is on the minus strand). VCF-style: chr13-85794933-C-T. GRCh37 (hg19) VCF-style: chr13-86369068-C-T.
Other names: short protein forms V526I.
Identifiers: ClinVar variation 1199007 (VCV001199007.11), dbSNP rs370565374, ClinGen allele CA7015075.

ClinVar aggregate classification (germline): Uncertain significance. Review status: criteria provided, multiple submitters, no conflicts (2 of 4 stars). 5 submissions from 5 submitters: Uncertain significance (5). Last evaluated 2026-04-28.

Conditions:
Inborn genetic diseases. Identifiers: MedGen C0950123, MeSH D030342.

Allele frequency attached by ClinVar (database versions not stated): gnomAD 0.00006; gnomAD exomes 0.00006 and 0.00007; TOPMed 0.00008; ESP Exome Variant Server 0.00016.
gnomAD v4.1: 100 of 1,612,958 alleles (0.0062%); highest among the groups gnomAD compares: Middle Eastern, 0.066%; no homozygotes.

Submissions (5):

Women's Health and Genetics/Laboratory Corporation of America, LabCorp
Classification: Uncertain significance. Last evaluated: 2026-04-28. Review status: criteria provided, single submitter. Criteria: LabCorp Variant Classification Summary - May 2015. Collection method: clinical testing. Allele origin: germline.
Comment: Variant summary: SLITRK6 c.1576G>A (p.Val526Ile) results in a conservative amino acid change in the encoded protein sequence. Algorithms developed to predict the effect of missense changes on protein structure and function are either unavailable or do not agree on the potential impact of this missense change. The variant allele was found at a frequency of 6.8e-05 in 248708 control chromosomes. This frequency is not significantly higher than estimated for disease-causing variants in SLITRK6, allowing no conclusion about variant significance. To our knowledge, no occurrence of c.1576G>A in individuals affected with SLITRK6-related conditions and no experimental evidence demonstrating its impact on protein function have been reported. ClinVar contains an entry for this variant (Variation ID: 1199007). Based on the evidence outlined above, the variant was classified as uncertain significance.

GeneDx
Classification: Uncertain significance. Last evaluated: 2025-08-26. Review status: criteria provided, single submitter. Criteria: GeneDx Variant Classification Process June 2021. Collection method: clinical testing. Allele origin: germline. Affected: yes.
Comment: Not observed at significant frequency in large population cohorts (gnomAD); In silico analysis suggests that this missense variant does not alter protein structure/function; Has not been previously published as pathogenic or benign to our knowledge

Labcorp Genetics (formerly Invitae), Labcorp
Classification: Uncertain significance. Last evaluated: 2025-05-19. Review status: criteria provided, single submitter. Criteria: Invitae Variant Classification Sherloc (09022015). Collection method: clinical testing. Allele origin: germline.
Comment: This sequence change replaces valine, which is neutral and non-polar, with isoleucine, which is neutral and non-polar, at codon 526 of the SLITRK6 protein (p.Val526Ile). This variant is present in population databases (rs370565374, gnomAD 0.02%). This variant has not been reported in the literature in individuals affected with SLITRK6-related conditions. ClinVar contains an entry for this variant (Variation ID: 1199007). An algorithm developed to predict the effect of missense changes on protein structure and function (PolyPhen-2) suggests that this variant is likely to be tolerated. In summary, the available evidence is currently insufficient to determine the role of this variant in disease. Therefore, it has been classified as a Variant of Uncertain Significance.

Blueprint Genetics
Classification: Uncertain significance. Last evaluated: 2024-09-13. Review status: criteria provided, single submitter. Criteria: ACMG Guidelines, 2015. Collection method: clinical testing. Allele origin: germline.

Ambry Genetics
Classification: Uncertain significance for Inborn genetic diseases. Last evaluated: 2021-09-16. Review status: criteria provided, single submitter. Criteria: Ambry Variant Classification Scheme 2023. Collection method: clinical testing. Allele origin: germline.